The following is an entry in ClinVar:

NM_001447.3(FAT2):c.6969G>T (p.Gln2323His)

Genes: FAT2 (FAT atypical cadherin 2; minus strand), SLC36A1 (solute carrier family 36 member 1; plus strand). Cytogenetic location: 5q33.1.
Variant type: single nucleotide variant.
Coding change: c.6969G>T on transcript NM_001447.3 (MANE Select); coding-DNA position 6969, G replaced by T.
Protein change: p.Gln2323His; replaces glutamine 2323 with histidine.
Molecular consequence: missense variant.
Genome position (GRCh38, 1-based): chr5:151,544,158, C>A on the plus strand (G>T on the coding strand, the complement: FAT2 is on the minus strand). VCF-style: chr5-151544158-C-A. GRCh37 (hg19) VCF-style: chr5-150923719-C-A.
Other names: short protein forms Q2323H.
Identifiers: ClinVar variation 2969185 (VCV002969185.3), dbSNP rs2127609159, ClinGen allele CA361836920.

ClinVar aggregate classification (germline): Uncertain significance (1 of 4 stars; one submission).

Submission:

Labcorp Genetics (formerly Invitae), Labcorp
Classification: Uncertain significance. Last evaluated: 2023-08-03. Review status: criteria provided, single submitter. Criteria: Invitae Variant Classification Sherloc (09022015). Collection method: clinical testing. Allele origin: germline.
Comment: In summary, the available evidence is currently insufficient to determine the role of this variant in disease. Therefore, it has been classified as a Variant of Uncertain Significance. Advanced modeling of protein sequence and biophysical properties (such as structural, functional, and spatial information, amino acid conservation, physicochemical variation, residue mobility, and thermodynamic stability) performed at Invitae indicates that this missense variant is not expected to disrupt FAT2 protein function. This variant has not been reported in the literature in individuals affected with FAT2-related conditions. This variant is not present in population databases (gnomAD no frequency). This sequence change replaces glutamine, which is neutral and polar, with histidine, which is basic and polar, at codon 2323 of the FAT2 protein (p.Gln2323His).